The following is an entry in ClinVar:

ClinVar aggregate classification (germline): Pathogenic (1 of 4 stars; one submission).

Conditions:
ERCC6L2-related disorder. Also called: ERCC6L2-related condition.

Submission:

PreventionGenetics, part of Exact Sciences
Classification: Pathogenic for ERCC6L2-related condition. Last evaluated: 2023-09-08. Review status: criteria provided, single submitter. Criteria: ACMG Guidelines, 2015. Collection method: clinical testing. Allele origin: germline.
Comment: The ERCC6L2 c.1253_1254delAG variant is predicted to result in a frameshift and premature protein termination (p.Glu418Glyfs*10). To our knowledge, this variant has not been reported in the literature or in a large population database, indicating this variant is rare. Frameshift variants in ERCC6L2 are expected to be pathogenic. This variant is interpreted as pathogenic.

NM_020207.7(ERCC6L2):c.1220_1221del (p.Glu407fs)

Gene: ERCC6L2 (ERCC excision repair 6 like 2; plus strand). Cytogenetic location: 9q22.32.
Variant type: Microsatellite.
Coding change: c.1220_1221del on transcript NM_020207.7 (MANE Select); coding-DNA positions 1220 to 1221, 2 bases deleted (AG; older notation c.1220_1221delAG).
Protein change: p.Glu407fs; shifts the reading frame from glutamic acid 407.
Molecular consequence: frameshift variant. On other transcripts: non-coding transcript variant (1).
Genome position (GRCh38, 1-based): chr9:95,921,236-95,921,237, AG deleted; deleting any 2 consecutive bases within chr9:95,921,234-95,921,237 gives the same sequence; the c. name uses the placement nearest the transcript's 3' end. VCF-style (leftmost placement, unchanged base first): chr9-95921233-CAG-C. GRCh37 (hg19) VCF-style: chr9-98683515-CAG-C.
Other names: c.1220_1221del, p.Glu407fs (NM_001010895.4, NM_001375291.1, NM_001375292.1 and 2 more transcripts); short protein forms E407fs.
Identifiers: ClinVar variation 2634703 (VCV002634703.1), dbSNP rs764007539, ClinGen allele CA196574624.